The following is an entry in ClinVar:

NM_000127.3(EXT1):c.957T>A (p.Tyr319Ter)

Gene: EXT1 (exostosin glycosyltransferase 1; minus strand). Cytogenetic location: 8q24.11.
Variant type: single nucleotide variant.
Coding change: c.957T>A on transcript NM_000127.3 (MANE Select); coding-DNA position 957, T replaced by A.
Protein change: p.Tyr319Ter; replaces tyrosine 319 with a stop codon.
Molecular consequence: nonsense.
Genome position (GRCh38, 1-based): chr8:118,110,090, A>T on the plus strand (T>A on the coding strand, the complement: EXT1 is on the minus strand). VCF-style: chr8-118110090-A-T. GRCh37 (hg19) VCF-style: chr8-119122329-A-T.
Other names: short protein forms Y319*.
Identifiers: ClinVar variation 638993 (VCV000638993.9), dbSNP rs1586279297, ClinGen allele CA371914665.
Genomic context (GRCh38, chr8:118,110,090, plus strand): 5'-AAGGCCGGCAGAGCCCAAGGCTGACTCCCAAAGACACGCCAGCCCAGACACTTACTTCTC[A>T]TACTCGGTGTTGTCTCTGTCACAGCGAGAATCCTTGTGCTTTTGCCAGTCTTTGCCATGC-3'

ClinVar aggregate classification (germline): Pathogenic (1 of 4 stars; one submission).

Conditions:
Multiple congenital exostosis (EXT). Also called: Hereditary multiple exostoses; Hereditary multiple exostosis; Hereditary multiple osteochondromas; Multiple exostoses; Multiple osteochondromas; MULTIPLE CARTILAGINOUS EXOSTOSES. Identifiers: Orphanet 321, MedGen C0015306, MONDO:0005508, HP:0002762.

Submission:

Labcorp Genetics (formerly Invitae), Labcorp
Classification: Pathogenic for Multiple congenital exostosis. Last evaluated: 2019-05-21. Review status: criteria provided, single submitter. Criteria: Invitae Variant Classification Sherloc (09022015). Collection method: clinical testing. Allele origin: germline.
Comment: Loss-of-function variants in EXT1 are known to be pathogenic (PMID: 10679937, 11391482, 19810120). This variant has not been reported in the literature in individuals with EXT1-related conditions. This variant is not present in population databases (ExAC no frequency). This sequence change creates a premature translational stop signal (p.Tyr319*) in the EXT1 gene. It is expected to result in an absent or disrupted protein product. For these reasons, this variant has been classified as Pathogenic.

Literature cited by the submitters: PubMed 10679937; PubMed 11391482; PubMed 19810120.